The following is an entry in ClinVar:

ClinVar aggregate classification (germline): Uncertain significance (1 of 4 stars; one submission).

Conditions:
Long QT syndrome (LQTS). Identifiers: MedGen C0023976, MeSH D008133, MONDO:0002442. Disease mechanism: loss of function. Inheritance: Various modes of inheritance.

Submission:

Labcorp Genetics (formerly Invitae), Labcorp
Classification: Uncertain significance for Long QT syndrome. Last evaluated: 2022-07-12. Review status: criteria provided, single submitter. Criteria: Invitae Variant Classification Sherloc (09022015). Collection method: clinical testing. Allele origin: germline.
Comment: This sequence change replaces serine, which is neutral and polar, with alanine, which is neutral and non-polar, at codon 3452 of the ANK2 protein (p.Ser3452Ala). In summary, the available evidence is currently insufficient to determine the role of this variant in disease. Therefore, it has been classified as a Variant of Uncertain Significance. Algorithms developed to predict the effect of missense changes on protein structure and function (SIFT, PolyPhen-2, Align-GVGD) all suggest that this variant is likely to be tolerated. This missense change has been observed in individual(s) with Brugada syndrome (PMID: 24981977). This variant is present in population databases (no rsID available, gnomAD no frequency).

Literature cited by the submitters: PubMed 24981977.

NM_001148.6(ANK2):c.10354T>G (p.Ser3452Ala)

Gene: ANK2 (ankyrin 2; plus strand). Cytogenetic location: 4q26.
Variant type: single nucleotide variant.
Coding change: c.10354T>G on transcript NM_001148.6 (MANE Select); coding-DNA position 10354, T replaced by G.
Protein change: p.Ser3452Ala; replaces serine 3452 with alanine.
Molecular consequence: missense variant. On other transcripts: intron variant (68).
Genome position (GRCh38, 1-based): chr4:113,358,972, T>G. VCF-style: chr4-113358972-T-G. GRCh37 (hg19) VCF-style: chr4-114280128-T-G.
Other names: c.10120T>G, p.Ser3374Ala (NM_001386142.1); c.6754T>G, p.Ser2252Ala (NM_001386166.1); c.10495T>G, p.Ser3499Ala (NM_001386174.1); c.10471T>G, p.Ser3491Ala (NM_001386175.1); c.4412-1851T>G (NM_001386186.2, NM_001386148.2); c.4214-1851T>G (NM_001354269.3); c.4292-1851T>G (NM_001386187.2); c.4253-1851T>G (NM_001386147.1); and 35 more; short protein forms S2252A, S3374A, S3452A, S3499A, S3491A.
Identifiers: ClinVar variation 1983366 (VCV001983366.4), dbSNP rs1260220928, ClinGen allele CA357940228.